The following is an entry in ClinVar:

NM_012281.3(KCND2):c.1432C>A (p.His478Asn)

Gene: KCND2 (potassium voltage-gated channel subfamily D member 2; plus strand). Cytogenetic location: 7q31.31.
Variant type: single nucleotide variant.
Coding change: c.1432C>A on transcript NM_012281.3 (MANE Select); coding-DNA position 1432, C replaced by A.
Protein change: p.His478Asn; replaces histidine 478 with asparagine.
Molecular consequence: missense variant.
Genome position (GRCh38, 1-based): chr7:120,742,567, C>A. VCF-style: chr7-120742567-C-A. GRCh37 (hg19) VCF-style: chr7-120382621-C-A.
Other names: short protein forms H478N.
Identifiers: ClinVar variation 2794682 (VCV002794682.3), dbSNP rs2485209766, ClinGen allele CA369134696.

ClinVar aggregate classification (germline): Uncertain significance (1 of 4 stars; one submission).

Conditions:
Early Myoclonic Encephalopathy. Identifiers: MedGen C0270855.

Submission:

Labcorp Genetics (formerly Invitae), Labcorp
Classification: Uncertain significance for Early Myoclonic Encephalopathy. Last evaluated: 2023-01-24. Review status: criteria provided, single submitter. Criteria: Invitae Variant Classification Sherloc (09022015). Collection method: clinical testing. Allele origin: germline.
Comment: In summary, the available evidence is currently insufficient to determine the role of this variant in disease. Therefore, it has been classified as a Variant of Uncertain Significance. Advanced modeling of protein sequence and biophysical properties (such as structural, functional, and spatial information, amino acid conservation, physicochemical variation, residue mobility, and thermodynamic stability) performed at Invitae indicates that this missense variant is not expected to disrupt KCND2 protein function. This variant has not been reported in the literature in individuals affected with KCND2-related conditions. This variant is not present in population databases (gnomAD no frequency). This sequence change replaces histidine, which is basic and polar, with asparagine, which is neutral and polar, at codon 478 of the KCND2 protein (p.His478Asn).